The following is an entry in ClinVar:

NM_005591.4(MRE11):c.359T>A (p.Ile120Asn)

Gene: MRE11 (MRE11 double strand break repair nuclease; minus strand). Cytogenetic location: 11q21.
Variant type: single nucleotide variant.
Coding change: c.359T>A on transcript NM_005591.4 (MANE Select); coding-DNA position 359, T replaced by A.
Protein change: p.Ile120Asn; replaces isoleucine 120 with asparagine.
Molecular consequence: missense variant. On other transcripts: 5 prime UTR variant (3), intron variant (3).
Genome position (GRCh38, 1-based): chr11:94,479,717, A>T on the plus strand (T>A on the coding strand, the complement: MRE11 is on the minus strand). VCF-style: chr11-94479717-A-T. GRCh37 (hg19) VCF-style: chr11-94212883-A-T.
Other names: c.359T>A, p.Ile120Asn (NM_001330347.2, NM_001440460.1, NM_001440461.1 and 18 more transcripts); c.284T>A, p.Ile95Asn (NM_001440471.1, NM_001440472.1, NM_001440479.1); c.-110T>A (NM_001440485.1, NM_001440486.1, NM_001440487.1); c.314+6207T>A (NM_001440483.1, NM_001440484.1, NM_001440482.1); short protein forms I95N, I120N.
Identifiers: ClinVar variation 4651055 (VCV004651055.1).
Genomic context (GRCh38, chr11:94,479,717, plus strand): 5'-AAGAAAACAATAATTACCCCTGTGGGATCGTCATGATTGCCATGAATACTAAACACTGGA[A>T]TTGAAATGTTGAGGTTGCCATCTTGATAGTTCACCCATGGAAACCTTAAAAAAAAAAAGT-3'
Protein context (NP_005582.1, residues 110-130): NYQDGNLNIS[Ile120Asn]PVFSIHGNHD

ClinVar aggregate classification (germline): Uncertain significance (1 of 4 stars; one submission).

Conditions:
Hereditary cancer-predisposing syndrome. Also called: Neoplastic Syndromes, Hereditary; Tumor predisposition; Hereditary Cancer Syndrome; Hereditary neoplastic syndrome. Identifiers: Orphanet 140162, MedGen C0027672, MeSH D009386, MONDO:0015356.

Submission:

Ambry Genetics
Classification: Uncertain significance for Hereditary cancer-predisposing syndrome. Last evaluated: 2025-10-10. Review status: criteria provided, single submitter. Criteria: Ambry Variant Classification Scheme 2023. Collection method: clinical testing. Allele origin: germline.
Comment: The p.I120N variant (also known as c.359T>A), located in coding exon 4 of the MRE11A gene, results from a T to A substitution at nucleotide position 359. The isoleucine at codon 120 is replaced by asparagine, an amino acid with dissimilar properties. This amino acid position is conserved. In addition, this alteration is predicted to be deleterious by in silico analysis. Based on the available evidence, the clinical significance of this variant remains unclear.